The following is an entry in ClinVar:

NM_000096.4(CP):c.3011A>G (p.Gln1004Arg)

Gene: CP (ceruloplasmin; minus strand). Cytogenetic location: 3q24.
Variant type: single nucleotide variant.
Coding change: c.3011A>G on transcript NM_000096.4 (MANE Select); coding-DNA position 3011, A replaced by G.
Protein change: p.Gln1004Arg; replaces glutamine 1004 with arginine.
Molecular consequence: missense variant. On other transcripts: non-coding transcript variant (1).
Genome position (GRCh38, 1-based): chr3:149,177,847, T>C on the plus strand (A>G on the coding strand, the complement: CP is on the minus strand). VCF-style: chr3-149177847-T-C. GRCh37 (hg19) VCF-style: chr3-148895634-T-C.
Other names: short protein forms Q1004R.
Identifiers: ClinVar variation 1198134 (VCV001198134.2), dbSNP rs2108214389, ClinGen allele CA354929098.

ClinVar aggregate classification (germline): Uncertain significance (1 of 4 stars; one submission).

Submission:

GeneDx
Classification: Uncertain significance. Last evaluated: 2019-07-11. Review status: criteria provided, single submitter. Criteria: GeneDx Variant Classification Process June 2021. Collection method: clinical testing. Allele origin: germline. Affected: yes.
Comment: Not observed in large population cohorts (Lek et al., 2016); In silico analysis, which includes protein predictors and evolutionary conservation, supports that this variant does not alter protein structure/function; Has not been previously published as pathogenic or benign to our knowledge